The following is an entry in ClinVar:

ClinVar aggregate classification (germline): Pathogenic/Likely pathogenic. Review status: criteria provided, multiple submitters, no conflicts (2 of 4 stars). 2 submissions from 2 submitters: Pathogenic (1); Likely pathogenic (1). Last evaluated 2025-04-30.

Conditions:
Holocarboxylase synthetase deficiency. Also called: MULTIPLE CARBOXYLASE DEFICIENCY, EARLY ONSET. Identifiers: Orphanet 79242, MedGen C0268581, MONDO:0009666, OMIM 253270.

Submissions (2):

Natera, Inc.
Classification: Likely pathogenic for Holocarboxylase synthetase deficiency. Last evaluated: 2025-04-30. Review status: criteria provided, single submitter. Criteria: Natera Variant Classification Schema (03/2026). Collection method: clinical testing. Allele origin: germline.
Comment: The c.1096_1099del variant in HLCS is a frameshift variant predicted to shift the reading frame beginning at codon 366 and leads to a stop codon 2 codons downstream. This variant is expected to result in nonsense mediated decay, truncation, or a dysfunctional protein product. This variant is rare in the general population with a frequency below the threshold expected for the associated phenotype(s). Given the available evidence, this variant is classified as Likely Pathogenic.

Labcorp Genetics (formerly Invitae), Labcorp
Classification: Pathogenic for Holocarboxylase synthetase deficiency. Last evaluated: 2023-01-26. Review status: criteria provided, single submitter. Criteria: Invitae Variant Classification Sherloc (09022015). Collection method: clinical testing. Allele origin: germline.
Comment: For these reasons, this variant has been classified as Pathogenic. This variant has not been reported in the literature in individuals affected with HLCS-related conditions. This variant is not present in population databases (gnomAD no frequency). This sequence change creates a premature translational stop signal (p.Glu366Phefs*2) in the HLCS gene. It is expected to result in an absent or disrupted protein product. Loss-of-function variants in HLCS are known to be pathogenic (PMID: 16134170).

Literature cited by the submitters: PubMed 16134170 (cited by Labcorp Genetics (formerly Invitae), Labcorp).

NM_001352514.2(HLCS):c.1537_1540del (p.Glu513fs)

Gene: HLCS (holocarboxylase synthetase; minus strand). Cytogenetic location: 21q22.13.
Variant type: Microsatellite.
Coding change: c.1537_1540del on transcript NM_001352514.2 (MANE Select); coding-DNA positions 1537 to 1540, 4 bases deleted (GAGA; older notation c.1537_1540delGAGA).
Protein change: p.Glu513fs; shifts the reading frame from glutamic acid 513.
Molecular consequence: frameshift variant. On other transcripts: non-coding transcript variant (2).
Genome position (GRCh38, 1-based): chr21:36,930,331-36,930,334, TCTC deleted on the plus strand (GAGA on the coding strand, the reverse complement: HLCS is on the minus strand); deleting any 4 consecutive bases within chr21:36,930,331-36,930,337 gives the same sequence; the c. name uses the placement nearest the transcript's 3' end. VCF-style (leftmost placement, unchanged base first): chr21-36930330-ATCTC-A. GRCh37 (hg19) VCF-style: chr21-38302630-ATCTC-A.
Other names: c.1096_1099del (NM_000411.7); c.1096_1099del, p.Glu366fs (NM_000411.8, NM_001242784.3, NM_001242785.2 and 4 more transcripts); short protein forms E513fs, E366fs.
Identifiers: ClinVar variation 2903954 (VCV002903954.5), dbSNP rs2517547106, ClinGen allele CA2739267627.
Genomic context (GRCh38, chr21:36,930,330, plus strand): 5'-TAAAGAGGAGTTAAGGCAGGAACTTGTTTCATGTCACAGCTGAGGCCAAGGGTTGTCAGA[ATCTC>A]TCTAAGGACTTCGTATCTTCTAAAATTGCTTGACTTGAGCAAGTTAAAATCTTCTGGAGT-3'